The following is an entry in ClinVar:

NM_000530.8(MPZ):c.618A>T (p.Gly206=)

Gene: MPZ (myelin protein zero; minus strand). Cytogenetic location: 1q23.3.
Variant type: single nucleotide variant.
Coding change: c.618A>T on transcript NM_000530.8 (MANE Select); coding-DNA position 618, A replaced by T.
Protein change: p.Gly206=; no amino-acid change (glycine 206 retained).
Molecular consequence: synonymous variant.
Genome position (GRCh38, 1-based): chr1:161,306,135, T>A on the plus strand (A>T on the coding strand, the complement: MPZ is on the minus strand). VCF-style: chr1-161306135-T-A. GRCh37 (hg19) VCF-style: chr1-161275925-T-A.
Other names: c.618A>T, p.Gly206= (NM_001315491.2).
Identifiers: ClinVar variation 2841969 (VCV002841969.3), dbSNP rs2526234147, ClinGen allele CA421404318.

ClinVar aggregate classification (germline): Uncertain significance (1 of 4 stars; one submission).

Conditions:
Charcot-Marie-Tooth disease, type I (CMT1). Also called: Charcot-Marie-Tooth, Type 1; Charcot-Marie-Tooth disease type 1. Identifiers: Orphanet 65753, MedGen C0751036, MONDO:0019011.

Submission:

Labcorp Genetics (formerly Invitae), Labcorp
Classification: Uncertain significance for Charcot-Marie-Tooth disease, type I. Last evaluated: 2024-09-06. Review status: criteria provided, single submitter. Criteria: Invitae Variant Classification Sherloc (09022015). Collection method: clinical testing. Allele origin: germline.
Comment: This sequence change affects codon 206 of the MPZ mRNA. It is a 'silent' change, meaning that it does not change the encoded amino acid sequence of the MPZ protein. This variant is not present in population databases (gnomAD no frequency). This variant has not been reported in the literature in individuals affected with MPZ-related conditions. Algorithms developed to predict the effect of sequence changes on RNA splicing suggest that this variant may disrupt the consensus splice site. In summary, the available evidence is currently insufficient to determine the role of this variant in disease. Therefore, it has been classified as a Variant of Uncertain Significance.